The following is an entry in ClinVar:

ClinVar aggregate classification (germline): Uncertain significance (1 of 4 stars; one submission).

Conditions:
Autosomal recessive limb-girdle muscular dystrophy type 2A (LGMDR1). Also called: Limb-girdle muscular dystrophy, type 2A; Calpainopathy; Muscular dystrophy, limb-girdle, type 2A, Amish; LEYDEN-MOEBIUS MUSCULAR DYSTROPHY; MUSCULAR DYSTROPHY, PELVOFEMORAL. Identifiers: Orphanet 267, MedGen C1869123, MONDO:0009675, OMIM 253600. Disease mechanism: loss of function.

gnomAD v4.1: 4 of 1,614,098 alleles (0.00025%); highest among the groups gnomAD compares: Admixed American, 0.0033%; no homozygotes.

Submission:

Labcorp Genetics (formerly Invitae), Labcorp
Classification: Uncertain significance for Autosomal recessive limb-girdle muscular dystrophy type 2A. Last evaluated: 2025-08-18. Review status: criteria provided, single submitter. Criteria: Invitae Variant Classification Sherloc (09022015). Collection method: clinical testing. Allele origin: germline.
Comment: This sequence change replaces methionine, which is neutral and non-polar, with leucine, which is neutral and non-polar, at codon 262 of the CAPN3 protein (p.Met262Leu). This variant is present in population databases (no rsID available, gnomAD 0.0009%). This variant has not been reported in the literature in individuals affected with CAPN3-related conditions. ClinVar contains an entry for this variant (Variation ID: 2078111). Invitae Evidence Modeling of protein sequence and biophysical properties (such as structural, functional, and spatial information, amino acid conservation, physicochemical variation, residue mobility, and thermodynamic stability) has been performed for this missense variant. However, the output from this modeling did not meet the statistical confidence thresholds required to predict the impact of this variant on CAPN3 protein function. In summary, the available evidence is currently insufficient to determine the role of this variant in disease. Therefore, it has been classified as a Variant of Uncertain Significance.

NM_000070.3(CAPN3):c.784A>T (p.Met262Leu)

Gene: CAPN3 (calpain 3; plus strand). Cytogenetic location: 15q15.1.
Variant type: single nucleotide variant.
Coding change: c.784A>T on transcript NM_000070.3 (MANE Select); coding-DNA position 784, A replaced by T.
Protein change: p.Met262Leu; replaces methionine 262 with leucine.
Molecular consequence: missense variant.
Genome position (GRCh38, 1-based): chr15:42,389,079, A>T. VCF-style: chr15-42389079-A-T. GRCh37 (hg19) VCF-style: chr15-42681277-A-T.
Other names: c.784A>T, p.Met262Leu (NM_024344.2, NM_173087.2); c.523A>T, p.Met175Leu (NM_212464.2); c.*477A>T (NM_212467.2); short protein forms M175L, M262L.
Identifiers: ClinVar variation 2078111 (VCV002078111.3), dbSNP rs565901676, ClinGen allele CA391998376.